The following is an entry in ClinVar:

ClinVar aggregate classification (germline): Uncertain significance (1 of 4 stars; one submission).

Conditions:
Cardiovascular phenotype. Identifiers: MedGen CN230736.

Submission:

Ambry Genetics
Classification: Uncertain significance for Cardiovascular phenotype. Last evaluated: 2024-05-02. Review status: criteria provided, single submitter. Criteria: Ambry Variant Classification Scheme 2023. Collection method: clinical testing. Allele origin: germline.
Comment: The p.T390I variant (also known as c.1169C>T), located in coding exon 4 of the MYPN gene, results from a C to T substitution at nucleotide position 1169. The threonine at codon 390 is replaced by isoleucine, an amino acid with similar properties. This amino acid position is well conserved in available vertebrate species. In addition, this alteration is predicted to be tolerated by in silico analysis. Based on the available evidence, the clinical significance of this variant remains unclear.

NM_032578.4(MYPN):c.1169C>T (p.Thr390Ile)

Gene: MYPN (myopalladin; plus strand). Cytogenetic location: 10q21.3.
Variant type: single nucleotide variant.
Coding change: c.1169C>T on transcript NM_032578.4 (MANE Select); coding-DNA position 1169, C replaced by T.
Protein change: p.Thr390Ile; replaces threonine 390 with isoleucine.
Molecular consequence: missense variant. On other transcripts: non-coding transcript variant (2).
Genome position (GRCh38, 1-based): chr10:68,148,391, C>T. VCF-style: chr10-68148391-C-T. GRCh37 (hg19) VCF-style: chr10-69908148-C-T.
Other names: c.1169C>T, p.Thr390Ile (NM_001256267.2); c.287C>T, p.Thr96Ile (NM_001256268.2); short protein forms T390I, T96I.
Identifiers: ClinVar variation 3298133 (VCV003298133.1).